The following is an entry in ClinVar:

ClinVar aggregate classification (germline): Uncertain significance. Review status: criteria provided, multiple submitters, no conflicts (2 of 4 stars). 2 submissions from 2 submitters: Uncertain significance (2). Last evaluated 2025-12-10.

gnomAD v4.1: 20 of 1,613,972 alleles (0.0012%); highest among the groups gnomAD compares: African/African-American, 0.027%; no homozygotes.

Submissions (2):

Labcorp Genetics (formerly Invitae), Labcorp
Classification: Uncertain significance. Last evaluated: 2025-12-10. Review status: criteria provided, single submitter. Criteria: Invitae Variant Classification Sherloc (09022015). Collection method: clinical testing. Allele origin: germline.
Comment: This sequence change replaces glutamine, which is neutral and polar, with histidine, which is basic and polar, at codon 783 of the ADGRE2 protein (p.Gln783His). This variant is present in population databases (rs138334964, gnomAD 0.02%). This variant has not been reported in the literature in individuals affected with ADGRE2-related conditions. ClinVar contains an entry for this variant (Variation ID: 3712533). An algorithm developed to predict the effect of missense changes on protein structure and function outputs the following: PolyPhen-2: "Benign". The histidine amino acid residue is found in multiple mammalian species, which suggests that this missense change does not adversely affect protein function. In summary, the available evidence is currently insufficient to determine the role of this variant in disease. Therefore, it has been classified as a Variant of Uncertain Significance.

Ambry Genetics
Classification: Uncertain significance. Last evaluated: 2025-11-19. Review status: criteria provided, single submitter. Criteria: Ambry Variant Classification Scheme 2023. Collection method: clinical testing. Allele origin: germline.

NM_013447.4(ADGRE2):c.2349G>C (p.Gln783His)

Gene: ADGRE2 (adhesion G protein-coupled receptor E2; minus strand). Cytogenetic location: 19p13.12.
Variant type: single nucleotide variant.
Coding change: c.2349G>C on transcript NM_013447.4 (MANE Select); coding-DNA position 2349, G replaced by C.
Protein change: p.Gln783His; replaces glutamine 783 with histidine.
Molecular consequence: missense variant.
Genome position (GRCh38, 1-based): chr19:14,743,619, C>G on the plus strand (G>C on the coding strand, the complement: ADGRE2 is on the minus strand). VCF-style: chr19-14743619-C-G. GRCh37 (hg19) VCF-style: chr19-14854431-C-G.
Other names: c.2349G>C (NM_013447.2); c.2175G>C, p.Gln725His (NM_001271052.1); c.2202G>C, p.Gln734His (NM_152916.2); c.2070G>C, p.Gln690His (NM_152917.2); short protein forms Q734H, Q783H, Q690H, Q725H.
Identifiers: ClinVar variation 3712533 (VCV003712533.3).
Genomic context (GRCh38, chr19:14,743,619, plus strand): 5'-GCTCACAGAGAGCAGTGAGGACAGGAAGAGTCCTGGGTGGGAGCTGGGCAGTGGTACCTG[C>G]TGGCTGAGGAGGCAGTACACCAGGAAGATGAAGACACCCTGCAGGCTGTTGATGATGGTG-3'
Protein context (NP_038475.2, residues 773-793): FIFLVYCLLS[Gln783His]QVREQYGKWS